The following is an entry in ClinVar:

ClinVar aggregate classification (germline): Uncertain significance (1 of 4 stars; one submission).

Submission:

Labcorp Genetics (formerly Invitae), Labcorp
Classification: Uncertain significance. Last evaluated: 2025-01-27. Review status: criteria provided, single submitter. Criteria: Invitae Variant Classification Sherloc (09022015). Collection method: clinical testing. Allele origin: germline.
Comment: This sequence change replaces leucine, which is neutral and non-polar, with proline, which is neutral and non-polar, at codon 364 of the PORCN protein (p.Leu364Pro). This variant is not present in population databases (gnomAD no frequency). This variant has not been reported in the literature in individuals affected with PORCN-related conditions. Invitae Evidence Modeling of protein sequence and biophysical properties (such as structural, functional, and spatial information, amino acid conservation, physicochemical variation, residue mobility, and thermodynamic stability) indicates that this missense variant is expected to disrupt PORCN protein function with a positive predictive value of 95%. In summary, the available evidence is currently insufficient to determine the role of this variant in disease. Therefore, it has been classified as a Variant of Uncertain Significance.

NM_203475.3(PORCN):c.1091T>C (p.Leu364Pro)

Gene: PORCN (porcupine O-acyltransferase; plus strand). Cytogenetic location: Xp11.23.
Variant type: single nucleotide variant.
Coding change: c.1091T>C on transcript NM_203475.3 (MANE Select); coding-DNA position 1091, T replaced by C.
Protein change: p.Leu364Pro; replaces leucine 364 with proline.
Molecular consequence: missense variant.
Genome position (GRCh38, 1-based): chrX:48,516,064, T>C. VCF-style: chrX-48516064-T-C. GRCh37 (hg19) VCF-style: chrX-48374452-T-C.
Other names: c.845T>C, p.Leu282Pro (NM_001282167.2); c.1058T>C, p.Leu353Pro (NM_022825.4); c.1076T>C, p.Leu359Pro (NM_203473.3); c.1073T>C, p.Leu358Pro (NM_203474.1); short protein forms L364P, L282P, L358P, L359P, L353P.
Identifiers: ClinVar variation 3720276 (VCV003720276.2).